The following is an entry in ClinVar:

NM_002160.4(TNC):c.781G>A (p.Gly261Ser)

Gene: TNC (tenascin C; minus strand). Cytogenetic location: 9q33.1.
Variant type: single nucleotide variant.
Coding change: c.781G>A on transcript NM_002160.4 (MANE Select); coding-DNA position 781, G replaced by A.
Protein change: p.Gly261Ser; replaces glycine 261 with serine.
Molecular consequence: missense variant.
Genome position (GRCh38, 1-based): chr9:115,086,950, C>T on the plus strand (G>A on the coding strand, the complement: TNC is on the minus strand). VCF-style: chr9-115086950-C-T. GRCh37 (hg19) VCF-style: chr9-117849229-C-T.
Other names: p.Gly261Ser; short protein forms G261S.
Identifiers: ClinVar variation 788421 (VCV000788421.10), dbSNP rs61736826, ClinGen allele CA5208968.

ClinVar aggregate classification (germline): Benign. Review status: criteria provided, multiple submitters, no conflicts (2 of 4 stars). 6 submissions from 6 submitters: Benign (6). Last evaluated 2024-10-23.

Conditions:
Autosomal dominant nonsyndromic hearing loss 56. Also called: Deafness, autosomal dominant 56. Identifiers: Orphanet 90635, MedGen C3810170, MONDO:0014283, OMIM 615629.

Allele frequency attached by ClinVar (database versions not stated): ExAC 0.00352; gnomAD 0.01021 and 0.01088; 1000 Genomes Project 0.01118; ESP Exome Variant Server 0.01176; gnomAD exomes 0.00302; TOPMed 0.01178; 1000 Genomes Project 30x 0.01234.

Submissions (6):

Mayo Clinic Laboratories, Mayo Clinic
Classification: Benign. Last evaluated: 2024-10-23. Review status: criteria provided, single submitter. Criteria: ACMG Guidelines, 2015. Collection method: clinical testing. Allele origin: germline. Observed: 1 variant allele.
Comment: BA1, BS2

Genome-Nilou Lab
Classification: Benign for Autosomal dominant nonsyndromic hearing loss 56. Last evaluated: 2022-03-15. Review status: criteria provided, single submitter. Criteria: ACMG Guidelines, 2015. Collection method: clinical testing. Allele origin: germline. Affected: no.

GeneDx
Classification: Benign. Last evaluated: 2020-02-04. Review status: criteria provided, single submitter. Criteria: GeneDx Variant Classification Process June 2021. Collection method: clinical testing. Allele origin: germline. Affected: yes.

Labcorp Genetics (formerly Invitae), Labcorp
Classification: Benign. Last evaluated: 2019-12-31. Review status: criteria provided, single submitter. Criteria: Invitae Variant Classification Sherloc (09022015). Collection method: clinical testing. Allele origin: germline.

Athena Diagnostics
Classification: Benign. Last evaluated: 2018-11-14. Review status: criteria provided, single submitter. Criteria: Athena Diagnostics Criteria. Collection method: clinical testing. Allele origin: germline.

Breakthrough Genomics
Classification: Benign. Review status: criteria provided, single submitter. Criteria: ACMG Guidelines, 2015. Collection method: not provided. Allele origin: germline. Inheritance: Autosomal dominant inheritance. Affected: yes.